The following is an entry in ClinVar:

ClinVar aggregate classification (germline): Pathogenic (1 of 4 stars; one submission).

Conditions:
Hereditary nonpolyposis colorectal neoplasms. Identifiers: MedGen C0009405, MeSH D003123.

Submission:

Labcorp Genetics (formerly Invitae), Labcorp
Classification: Pathogenic for Hereditary nonpolyposis colorectal neoplasms. Last evaluated: 2022-05-01. Review status: criteria provided, single submitter. Criteria: Invitae Variant Classification Sherloc (09022015). Collection method: clinical testing. Allele origin: germline.
Comment: For these reasons, this variant has been classified as Pathogenic. This variant has not been reported in the literature in individuals affected with MSH6-related conditions. This variant is not present in population databases (gnomAD no frequency). This sequence change creates a premature translational stop signal (p.Glu1083Lysfs*7) in the MSH6 gene. It is expected to result in an absent or disrupted protein product. Loss-of-function variants in MSH6 are known to be pathogenic (PMID: 18269114, 24362816).

Literature cited by the submitters: PubMed 18269114; PubMed 24362816.

NM_000179.3(MSH6):c.3247del (p.Glu1083fs)

Gene: MSH6 (mutS homolog 6; plus strand). Cytogenetic location: 2p16.3.
Variant type: Deletion.
Coding change: c.3247del on transcript NM_000179.3 (MANE Select); coding-DNA position 3247, one base deleted (G; older notation c.3247delG).
Protein change: p.Glu1083fs; shifts the reading frame from glutamic acid 1083.
Molecular consequence: frameshift variant.
Genome position (GRCh38, 1-based): chr2:47,803,494, G deleted; the last of 2 consecutive G bases (chr2:47,803,493-47,803,494); deleting either gives the same sequence. VCF-style (leftmost placement, unchanged base first): chr2-47803492-CG-C. GRCh37 (hg19) VCF-style: chr2-48030631-CG-C.
Other names: c.2857del, p.Glu953fs (NM_001281492.2); c.2341del, p.Glu781fs (NM_001281493.2, NM_001281494.2); c.3343delG, p.Glu1115Lysfs (NM_001406795.1, NM_001406802.1); c.3247delG, p.Glu1083Lysfs (NM_001406796.1, NM_001406800.1, NM_001406808.1 and 1 more transcripts); c.2950delG, p.Glu984Lysfs (NM_001406797.1, NM_001406801.1, NM_001406805.1 and 10 more transcripts); c.2722delG, p.Glu908Lysfs (NM_001406799.1, NM_001406806.1, NM_001406807.1); c.2383delG, p.Glu795Lysfs (NM_001406803.1); c.3169delG, p.Glu1057Lysfs (NM_001406804.1); and 7 more; short protein forms E781fs, E953fs, E1083fs.
Identifiers: ClinVar variation 2098169 (VCV002098169.4), dbSNP rs2530762349, ClinGen allele CA2580066996.